The following is an entry in ClinVar:

NM_004370.6(COL12A1):c.2933C>G (p.Thr978Ser)

Gene: COL12A1 (collagen type XII alpha 1 chain; minus strand). Cytogenetic location: 6q13.
Variant type: single nucleotide variant.
Coding change: c.2933C>G on transcript NM_004370.6 (MANE Select); coding-DNA position 2933, C replaced by G.
Protein change: p.Thr978Ser; replaces threonine 978 with serine.
Molecular consequence: missense variant. On other transcripts: intron variant (1).
Genome position (GRCh38, 1-based): chr6:75,165,557, G>C on the plus strand (C>G on the coding strand, the complement: COL12A1 is on the minus strand). VCF-style: chr6-75165557-G-C. GRCh37 (hg19) VCF-style: chr6-75875273-G-C.
Other names: c.74-13075C>G (NM_080645.3); c.2933C>G (NM_004370.5); short protein forms T978S.
Identifiers: ClinVar variation 1494488 (VCV001494488.9), dbSNP rs944768236, ClinGen allele CA141017288.
Genomic context (GRCh38, chr6:75,165,557, plus strand): 5'-TGTTACCTACATTCAGTTGTGGCATCTCCAGTCAAAGGTTCTCCTTCTCCACTGCTGTAA[G>C]TGGCAAATACTGAAATTCTGTATTTGGTCTCTGGCTGCAGATTTTCTATCATCGTATGAA-3'
Protein context (NP_004361.3, residues 968-988): ETKYRISVFA[Thr978Ser]YSSGEGEPLT

ClinVar aggregate classification (germline): Uncertain significance. Review status: criteria provided, multiple submitters, no conflicts (2 of 4 stars). 2 submissions from 2 submitters: Uncertain significance (2). Last evaluated 2025-10-09.

Conditions:
Ullrich congenital muscular dystrophy 2 (UCMD2). Identifiers: Orphanet 75840, MedGen C4225314, MONDO:0014654, OMIM 616470.
Bethlem myopathy 2 (BTHLM2). Identifiers: Orphanet 536516, Orphanet 610, MedGen C4225313, MONDO:0034022, OMIM 616471.

Allele frequency attached by ClinVar (database versions not stated): gnomAD exomes below 0.00001; gnomAD 0.00001; TOPMed 0.00002.
gnomAD v4.1: 5 of 1,613,866 alleles (0.00031%); highest among the groups gnomAD compares: Non-Finnish European, 0.00034%; no homozygotes.

Submissions (2):

Labcorp Genetics (formerly Invitae), Labcorp
Classification: Uncertain significance for Bethlem myopathy 2; Ullrich congenital muscular dystrophy 2. Last evaluated: 2025-10-09. Review status: criteria provided, single submitter. Criteria: Invitae Variant Classification Sherloc (09022015). Collection method: clinical testing. Allele origin: germline.
Comment: This sequence change replaces threonine, which is neutral and polar, with serine, which is neutral and polar, at codon 978 of the COL12A1 protein (p.Thr978Ser). This variant is present in population databases (no rsID available, gnomAD 0.0009%). This variant has not been reported in the literature in individuals affected with COL12A1-related conditions. ClinVar contains an entry for this variant (Variation ID: 1494488). Invitae Evidence Modeling of protein sequence and biophysical properties (such as structural, functional, and spatial information, amino acid conservation, physicochemical variation, residue mobility, and thermodynamic stability) indicates that this missense variant is not expected to disrupt COL12A1 protein function with a negative predictive value of 80%. In summary, the available evidence is currently insufficient to determine the role of this variant in disease. Therefore, it has been classified as a Variant of Uncertain Significance.

Revvity Omics, Revvity
Classification: Uncertain significance. Last evaluated: 2019-10-09. Review status: criteria provided, single submitter. Criteria: ACMG Guidelines, 2015. Collection method: clinical testing. Allele origin: germline.